The following is an entry in ClinVar:

NM_000179.3(MSH6):c.2734T>A (p.Trp912Arg)

Gene: MSH6 (mutS homolog 6; plus strand). Cytogenetic location: 2p16.3.
Variant type: single nucleotide variant.
Coding change: c.2734T>A on transcript NM_000179.3 (MANE Select); coding-DNA position 2734, T replaced by A.
Protein change: p.Trp912Arg; replaces tryptophan 912 with arginine.
Molecular consequence: missense variant.
Genome position (GRCh38, 1-based): chr2:47,800,717, T>A. VCF-style: chr2-47800717-T-A. GRCh37 (hg19) VCF-style: chr2-48027856-T-A.
Other names: c.2344T>A, p.Trp782Arg (NM_001281492.2); c.1828T>A, p.Trp610Arg (NM_001281493.2, NM_001281494.2); short protein forms W782R, W912R, W610R.
Identifiers: ClinVar variation 801221 (VCV000801221.4), dbSNP rs1060502869, ClinGen allele CA346755380.

ClinVar aggregate classification (germline): Uncertain significance. Review status: criteria provided, multiple submitters, no conflicts (2 of 4 stars). 2 submissions from 2 submitters: Uncertain significance (2). Last evaluated 2022-06-10.

Conditions:
Hereditary nonpolyposis colorectal neoplasms. Identifiers: MedGen C0009405, MeSH D003123.

Submissions (2):

Labcorp Genetics (formerly Invitae), Labcorp
Classification: Uncertain significance for Hereditary nonpolyposis colorectal neoplasms. Last evaluated: 2022-06-10. Review status: criteria provided, single submitter. Criteria: Invitae Variant Classification Sherloc (09022015). Collection method: clinical testing. Allele origin: germline.
Comment: This sequence change replaces tryptophan, which is neutral and slightly polar, with arginine, which is basic and polar, at codon 912 of the MSH6 protein (p.Trp912Arg). This variant is not present in population databases (gnomAD no frequency). This variant has not been reported in the literature in individuals affected with MSH6-related conditions. ClinVar contains an entry for this variant (Variation ID: 801221). Advanced modeling of protein sequence and biophysical properties (such as structural, functional, and spatial information, amino acid conservation, physicochemical variation, residue mobility, and thermodynamic stability) performed at Invitae indicates that this missense variant is expected to disrupt MSH6 protein function. In summary, the available evidence is currently insufficient to determine the role of this variant in disease. Therefore, it has been classified as a Variant of Uncertain Significance.

Quest Diagnostics Nichols Institute San Juan Capistrano
Classification: Uncertain significance. Last evaluated: 2019-08-20. Review status: criteria provided, single submitter. Criteria: Quest Diagnostics criteria. Collection method: clinical testing. Allele origin: germline.